The following is an entry in ClinVar:

ClinVar aggregate classification (germline): Uncertain significance. Review status: criteria provided, multiple submitters, no conflicts (2 of 4 stars). 3 submissions from 3 submitters: Uncertain significance (3). Last evaluated 2025-02-10.

Conditions:
Hereditary cancer-predisposing syndrome. Also called: Neoplastic Syndromes, Hereditary; Tumor predisposition; Hereditary neoplastic syndrome; Hereditary Cancer Syndrome. Identifiers: Orphanet 140162, MedGen C0027672, MeSH D009386, MONDO:0015356.
Familial cancer of breast. Also called: BREAST CANCER, FAMILIAL; Hereditary breast cancer; hereditary breast carcinoma. Identifiers: Orphanet 227535, MedGen C0346153, MONDO:0016419, OMIM 114480. Disease mechanism: loss of function.

Allele frequency attached by ClinVar (database versions not stated): gnomAD 0.00001.

Submissions (3):

Ambry Genetics
Classification: Uncertain significance for Hereditary cancer-predisposing syndrome. Last evaluated: 2025-02-10. Review status: criteria provided, single submitter. Criteria: Ambry Variant Classification Scheme 2023. Collection method: clinical testing. Allele origin: germline.
Comment: The p.D102G variant (also known as c.305A>G), located in coding exon 3 of the BARD1 gene, results from an A to G substitution at nucleotide position 305. The aspartic acid at codon 102 is replaced by glycine, an amino acid with similar properties. This amino acid position is well conserved in available vertebrate species. In addition, this alteration is predicted to be tolerated by in silico analysis. Based on the available evidence, the clinical significance of this variant remains unclear.

Color Diagnostics, LLC DBA Color Health
Classification: Uncertain significance for Hereditary cancer-predisposing syndrome. Last evaluated: 2023-12-05. Review status: criteria provided, single submitter. Criteria: ACMG Guidelines, 2015. Collection method: clinical testing. Allele origin: germline.
Comment: This missense variant replaces aspartic acid with glycine at codon 102 of the BARD1 protein. Computational prediction suggests that this variant may not impact protein structure and function (internally defined REVEL score threshold <= 0.5, PMID: 27666373). To our knowledge, functional studies have not been reported for this variant. This variant has not been reported in individuals affected with BARD1-related disorders in the literature. This variant has not been identified in the general population by the Genome Aggregation Database (gnomAD). The available evidence is insufficient to determine the role of this variant in disease conclusively. Therefore, this variant is classified as a Variant of Uncertain Significance.

Labcorp Genetics (formerly Invitae), Labcorp
Classification: Uncertain significance for Familial cancer of breast. Last evaluated: 2022-07-30. Review status: criteria provided, single submitter. Criteria: Invitae Variant Classification Sherloc (09022015). Collection method: clinical testing. Allele origin: germline.
Comment: ClinVar contains an entry for this variant (Variation ID: 629349). This variant has not been reported in the literature in individuals affected with BARD1-related conditions. This variant is not present in population databases (gnomAD no frequency). This sequence change replaces aspartic acid, which is acidic and polar, with glycine, which is neutral and non-polar, at codon 102 of the BARD1 protein (p.Asp102Gly). Algorithms developed to predict the effect of missense changes on protein structure and function output the following: SIFT: "Deleterious"; PolyPhen-2: "Benign"; Align-GVGD: "Class C0". The glycine amino acid residue is found in multiple mammalian species, which suggests that this missense change does not adversely affect protein function. In summary, the available evidence is currently insufficient to determine the role of this variant in disease. Therefore, it has been classified as a Variant of Uncertain Significance.

NM_000465.4(BARD1):c.305A>G (p.Asp102Gly)

Gene: BARD1 (BRCA1 associated RING domain 1; minus strand). Cytogenetic location: 2q35.
Variant type: single nucleotide variant.
Coding change: c.305A>G on transcript NM_000465.4 (MANE Select); coding-DNA position 305, A replaced by G.
Protein change: p.Asp102Gly; replaces aspartic acid 102 with glycine.
Molecular consequence: missense variant. On other transcripts: non-coding transcript variant (1), intron variant (2).
Genome position (GRCh38, 1-based): chr2:214,792,356, T>C on the plus strand (A>G on the coding strand, the complement: BARD1 is on the minus strand). VCF-style: chr2-214792356-T-C. GRCh37 (hg19) VCF-style: chr2-215657080-T-C.
Other names: c.248A>G, p.Asp83Gly (NM_001282543.2); c.305A>G, p.Asp102Gly (NM_001282549.2); c.158+17056A>G (NM_001282548.2); c.215+4705A>G (NM_001282545.2); short protein forms D102G, D83G.
Identifiers: ClinVar variation 629349 (VCV000629349.17), dbSNP rs1559436950, ClinGen allele CA350460977.